The following is an entry in ClinVar:

ClinVar aggregate classification (germline): Benign. Review status: criteria provided, multiple submitters, no conflicts (2 of 4 stars). 5 submissions from 5 submitters: Benign (5). Last evaluated 2026-02-01.

Allele frequency attached by ClinVar (database versions not stated): gnomAD exomes 0.02311 and 0.00907; ExAC 0.02763; gnomAD 0.08785 and 0.09394; ESP Exome Variant Server 0.09555; 1000 Genomes Project 0.09904; TOPMed 0.09988; 1000 Genomes Project 30x 0.10462.
gnomAD v4.1: 27,258 of 1,613,984 alleles (1.7%); highest among the groups gnomAD compares: African/African-American, 30%; 3,621 homozygotes.

Submissions (5):

Labcorp Genetics (formerly Invitae), Labcorp
Classification: Benign. Last evaluated: 2026-02-01. Review status: criteria provided, single submitter. Criteria: Invitae Variant Classification Sherloc (09022015). Collection method: clinical testing. Allele origin: germline.

GeneDx
Classification: Benign. Last evaluated: 2018-06-29. Review status: criteria provided, single submitter. Criteria: GeneDx Variant Classification Process June 2021. Collection method: clinical testing. Allele origin: germline. Affected: yes.

Laboratory for Molecular Medicine, Mass General Brigham Personalized Medicine
Classification: Benign. Last evaluated: 2012-05-07. Review status: criteria provided, single submitter. Criteria: LMM Criteria. Collection method: clinical testing. Allele origin: germline. Observed: 42 variant alleles.
Comment: 490-12C>T in Intron 06 of CRYM: This variant is not expected to have clinical si gnificance because it has been identified in 27.9% (1043/3738) of African Americ an chromosomes from a broad population by the NHLBI Exome Sequencing Project (dbSNP rs226052).

Breakthrough Genomics
Classification: Benign. Review status: criteria provided, single submitter. Criteria: ACMG Guidelines, 2015. Collection method: not provided. Allele origin: germline. Inheritance: Autosomal dominant inheritance. Affected: yes.

PreventionGenetics, part of Exact Sciences
Classification: Benign. Review status: criteria provided, single submitter. Criteria: ACMG Guidelines, 2015. Collection method: clinical testing. Allele origin: germline.

NM_001376256.1(CRYM):c.490-12C>T

Gene: CRYM (crystallin mu; minus strand). Cytogenetic location: 16p12.2.
Variant type: single nucleotide variant.
Coding change: c.490-12C>T on transcript NM_001376256.1 (MANE Select); 12 bases into the intron before coding-DNA position 490, C replaced by T.
Molecular consequence: intron variant.
Genome position (GRCh38, 1-based): chr16:21,267,749, G>A on the plus strand (C>T on the coding strand, the complement: CRYM is on the minus strand). VCF-style: chr16-21267749-G-A. GRCh37 (hg19) VCF-style: chr16-21279070-G-A.
Other names: c.490-12C>T (NM_001888.5).
Identifiers: ClinVar variation 44240 (VCV000044240.16), dbSNP rs226052, ClinGen allele CA133799.